The following is an entry in ClinVar:

ClinVar aggregate classification (germline): Uncertain significance (1 of 4 stars; one submission).

Conditions:
Cutis laxa, autosomal dominant 3 (ADCL3). Identifiers: Orphanet 90348, MedGen C4225268, MONDO:0014706, OMIM 616603.
Autosomal dominant spastic paraplegia type 9. Identifiers: MedGen C1832669, MONDO:0015091.
de Barsy syndrome. Also called: Cutis laxa-corneal clouding-oligophrenia syndrome. Identifiers: Orphanet 2962, MedGen C0268354, MONDO:0017569.

Submission:

Labcorp Genetics (formerly Invitae), Labcorp
Classification: Uncertain significance for Autosomal dominant spastic paraplegia type 9; de Barsy syndrome; Cutis laxa, autosomal dominant 3. Last evaluated: 2024-02-12. Review status: criteria provided, single submitter. Criteria: Invitae Variant Classification Sherloc (09022015). Collection method: clinical testing. Allele origin: germline.
Comment: This sequence change replaces methionine, which is neutral and non-polar, with valine, which is neutral and non-polar, at codon 176 of the ALDH18A1 protein (p.Met176Val). This variant is not present in population databases (gnomAD no frequency). This variant has not been reported in the literature in individuals affected with ALDH18A1-related conditions. Advanced modeling of protein sequence and biophysical properties (such as structural, functional, and spatial information, amino acid conservation, physicochemical variation, residue mobility, and thermodynamic stability) has been performed at Invitae for this missense variant, however the output from this modeling did not meet the statistical confidence thresholds required to predict the impact of this variant on ALDH18A1 protein function. In summary, the available evidence is currently insufficient to determine the role of this variant in disease. Therefore, it has been classified as a Variant of Uncertain Significance.

NM_002860.4(ALDH18A1):c.526A>G (p.Met176Val)

Gene: ALDH18A1 (aldehyde dehydrogenase 18 family member A1; minus strand). Cytogenetic location: 10q24.1.
Variant type: single nucleotide variant.
Coding change: c.526A>G on transcript NM_002860.4 (MANE Select); coding-DNA position 526, A replaced by G.
Protein change: p.Met176Val; replaces methionine 176 with valine.
Molecular consequence: missense variant. On other transcripts: intron variant (2).
Genome position (GRCh38, 1-based): chr10:95,637,125, T>C on the plus strand (A>G on the coding strand, the complement: ALDH18A1 is on the minus strand). VCF-style: chr10-95637125-T-C. GRCh37 (hg19) VCF-style: chr10-97396882-T-C.
Other names: c.526A>G, p.Met176Val (NM_001017423.2, NM_001323413.2, NM_001323414.2 and 1 more transcripts); c.193A>G, p.Met65Val (NM_001323412.2, NM_001323416.2, NM_001323418.2); c.-78-3476A>G (NM_001323419.2); c.453+162A>G (NM_001323417.2); short protein forms M176V, M65V.
Identifiers: ClinVar variation 3758561 (VCV003758561.2).